The following is an entry in ClinVar:

NM_021969.3(NR0B2):c.186T>C (p.Val62=)

Genes: NR0B2 (nuclear receptor subfamily 0 group B member 2; minus strand), NUDC (nuclear distribution C, dynein complex regulator; plus strand). Cytogenetic location: 1p36.11.
Variant type: single nucleotide variant.
Coding change: c.186T>C on transcript NM_021969.3 (MANE Select); coding-DNA position 186, T replaced by C.
Protein change: p.Val62=; no amino-acid change (valine 62 retained).
Molecular consequence: synonymous variant.
Genome position (GRCh38, 1-based): chr1:26,913,755, A>G on the plus strand (T>C on the coding strand, the complement: NR0B2 is on the minus strand). VCF-style: chr1-26913755-A-G. GRCh37 (hg19) VCF-style: chr1-27240246-A-G.
Identifiers: ClinVar variation 3358192 (VCV003358192.1).

ClinVar aggregate classification (germline): Likely benign (0 of 4 stars; one submission).

Conditions:
NR0B2-related disorder. Also called: NR0B2-related condition.

gnomAD v4.1: 20 of 1,585,786 alleles (0.0013%); highest among the groups gnomAD compares: Admixed American, 0.0018%; no homozygotes.

Submission:

PreventionGenetics, part of Exact Sciences
Classification: Likely benign for NR0B2-related condition. Last evaluated: 2021-10-05. Review status: no assertion criteria provided. Collection method: clinical testing. Allele origin: germline.
Comment: This variant is classified as likely benign based on ACMG/AMP sequence variant interpretation guidelines (Richards et al. 2015 PMID: 25741868, with internal and published modifications).